The following is an entry in ClinVar:

NM_201384.3(PLEC):c.1331A>C (p.Lys444Thr)

Gene: PLEC (plectin; minus strand). Cytogenetic location: 8q24.3.
Variant type: single nucleotide variant.
Coding change: c.1331A>C on transcript NM_201384.3 (MANE Select); coding-DNA position 1331, A replaced by C.
Protein change: p.Lys444Thr; replaces lysine 444 with threonine.
Molecular consequence: missense variant.
Genome position (GRCh38, 1-based): chr8:143,933,284, T>G on the plus strand (A>C on the coding strand, the complement: PLEC is on the minus strand). VCF-style: chr8-143933284-T-G. GRCh37 (hg19) VCF-style: chr8-145007452-T-G.
Other names: c.1412A>C, p.Lys471Thr (NM_000445.5, NM_001410941.1); c.1289A>C, p.Lys430Thr (NM_201378.4); c.1265A>C, p.Lys422Thr (NM_201379.3); c.1742A>C, p.Lys581Thr (NM_201380.4); c.1235A>C, p.Lys412Thr (NM_201381.3); c.1331A>C, p.Lys444Thr (NM_201382.4); c.1343A>C, p.Lys448Thr (NM_201383.3); c.1412A>C (NM_000445.3); short protein forms K412T, K430T, K422T, K581T, K448T, K471T, K444T.
Identifiers: ClinVar variation 2077117 (VCV002077117.7), dbSNP rs376827924, ClinGen allele CA4928014.

ClinVar aggregate classification (germline): Uncertain significance. Review status: criteria provided, multiple submitters, no conflicts (2 of 4 stars). 2 submissions from 2 submitters: Uncertain significance (2). Last evaluated 2025-07-03.

Conditions:
Epidermolysis bullosa simplex 5C, with pyloric atresia (EBS5C). Also called: PLEC-Related Epidermolysis Bullosa with Pyloric Atresia; Epidermolysis bullosa simplex with pyloric atresia; PLEC1-Related Epidermolysis Bullosa with Pyloric Atresia. Identifiers: Orphanet 158684, MedGen C2677349, MONDO:0012807, OMIM 612138.
Epidermolysis bullosa simplex with nail dystrophy (EBS5D). Identifiers: MedGen C4225309, MONDO:0014661, OMIM 616487.
Epidermolysis bullosa simplex 5B, with muscular dystrophy (EBS5B). Also called: EPIDERMOLYSIS BULLOSA SIMPLEX AND LIMB-GIRDLE MUSCULAR DYSTROPHY; Epidermolysis bullosa simplex with muscular dystrophy. Identifiers: Orphanet 257, MedGen C2931072, MONDO:0009181, OMIM 226670.
Epidermolysis bullosa simplex, Ogna type (EBS5A). Also called: Pidermolysis bullosa simplex 5A, Ogna type; EPIDERMOLYSIS BULLOSA SIMPLEX 5A, OGNA TYPE. Identifiers: Orphanet 79401, MedGen C0432317, MONDO:0007555, OMIM 131950.
Autosomal recessive limb-girdle muscular dystrophy type 2Q (LGMDR17). Also called: MUSCULAR DYSTROPHY, LIMB-GIRDLE, AUTOSOMAL RECESSIVE 17. Identifiers: Orphanet 254361, MedGen C3150989, MONDO:0013390, OMIM 613723.

Allele frequency attached by ClinVar (database versions not stated): gnomAD 0.00001; TOPMed 0.00002; ExAC 0.00003; ESP Exome Variant Server 0.00016.
gnomAD v4.1: 15 of 1,613,170 alleles (0.00093%); highest among the groups gnomAD compares: Non-Finnish European, 0.0012%; no homozygotes.

Submissions (2):

Revvity Omics, Revvity
Classification: Uncertain significance. Last evaluated: 2025-07-03. Review status: criteria provided, single submitter. Criteria: ACMG Guidelines, 2015. Collection method: clinical testing. Allele origin: germline.

Labcorp Genetics (formerly Invitae), Labcorp
Classification: Uncertain significance for Autosomal recessive limb-girdle muscular dystrophy type 2Q; Epidermolysis bullosa simplex, Ogna type; Epidermolysis bullosa simplex with nail dystrophy; Epidermolysis bullosa simplex 5C, with pyloric atresia; Epidermolysis bullosa simplex 5B, with muscular dystrophy. Last evaluated: 2022-05-21. Review status: criteria provided, single submitter. Criteria: Invitae Variant Classification Sherloc (09022015). Collection method: clinical testing. Allele origin: germline.
Comment: This variant has not been reported in the literature in individuals affected with PLEC-related conditions. Algorithms developed to predict the effect of missense changes on protein structure and function are either unavailable or do not agree on the potential impact of this missense change (SIFT: "Deleterious"; PolyPhen-2: "Not Available"; Align-GVGD: "Class C65"). In summary, the available evidence is currently insufficient to determine the role of this variant in disease. Therefore, it has been classified as a Variant of Uncertain Significance. This variant is present in population databases (rs376827924, gnomAD 0.004%). This sequence change replaces lysine, which is basic and polar, with threonine, which is neutral and polar, at codon 471 of the PLEC protein (p.Lys471Thr).